The following is an entry in ClinVar:

NM_019842.4(KCNQ5):c.1824G>A (p.Lys608=)

Gene: KCNQ5 (potassium voltage-gated channel subfamily Q member 5; plus strand). Cytogenetic location: 6q13.
Variant type: single nucleotide variant.
Coding change: c.1824G>A on transcript NM_019842.4 (MANE Select); coding-DNA position 1824, G replaced by A.
Protein change: p.Lys608=; no amino-acid change (lysine 608 retained).
Molecular consequence: synonymous variant.
Genome position (GRCh38, 1-based): chr6:73,192,679, G>A. VCF-style: chr6-73192679-G-A. GRCh37 (hg19) VCF-style: chr6-73902402-G-A.
Other names: c.1797G>A, p.Lys599= (NM_001160130.2); c.1854G>A, p.Lys618= (NM_001160132.2); c.1881G>A, p.Lys627= (NM_001160133.2); c.1494G>A, p.Lys498= (NM_001160134.2).
Identifiers: ClinVar variation 1642852 (VCV001642852.31), dbSNP rs144924911, ClinGen allele CA3887151.

ClinVar aggregate classification (germline): Benign/Likely benign. Review status: criteria provided, multiple submitters, no conflicts (2 of 4 stars). 3 submissions from 3 submitters: Benign (1); Likely benign (2). Last evaluated 2026-01-21.

Allele frequency attached by ClinVar (database versions not stated): gnomAD exomes 0.00018 and 0.00049; ExAC 0.00065; 1000 Genomes Project 30x 0.00187; 1000 Genomes Project 0.00200; TOPMed 0.00213; ESP Exome Variant Server 0.00254.
gnomAD v4.1: 589 of 1,587,278 alleles (0.037%); highest among the groups gnomAD compares: African/African-American, 0.7%; 4 homozygotes.

Submissions (3):

Labcorp Genetics (formerly Invitae), Labcorp
Classification: Benign. Last evaluated: 2026-01-21. Review status: criteria provided, single submitter. Criteria: Invitae Variant Classification Sherloc (09022015). Collection method: clinical testing. Allele origin: germline.

Blueprint Genetics
Classification: Likely benign. Last evaluated: 2024-11-26. Review status: criteria provided, single submitter. Criteria: ACMG Guidelines, 2015. Collection method: clinical testing. Allele origin: germline.

CeGaT Center for Human Genetics Tuebingen
Classification: Likely benign. Last evaluated: 2024-08-01. Review status: criteria provided, single submitter. Criteria: CeGaT Center For Human Genetics Tuebingen Variant Classification Criteria Version 2. Collection method: clinical testing. Allele origin: germline. Affected: yes. Observed: 3 variant alleles.
Comment: KCNQ5: BP4, BP7, BS1